The following is an entry in ClinVar:

ClinVar aggregate classification (germline): Uncertain significance (1 of 4 stars; one submission).

Conditions:
Epileptic encephalopathy. Identifiers: MedGen C0543888, HP:0200134.

Submission:

Labcorp Genetics (formerly Invitae), Labcorp
Classification: Uncertain significance for Epileptic encephalopathy. Last evaluated: 2019-09-08. Review status: criteria provided, single submitter. Criteria: Invitae Variant Classification Sherloc (09022015). Collection method: clinical testing. Allele origin: germline.
Comment: This sequence change replaces aspartic acid with valine at codon 4356 of the RYR3 protein (p.Asp4356Val). The aspartic acid residue is weakly conserved and there is a large physicochemical difference between aspartic acid and valine. This variant is not present in population databases (ExAC no frequency). This variant has not been reported in the literature in individuals with RYR3-related conditions. Algorithms developed to predict the effect of missense changes on protein structure and function output the following: SIFT: "Tolerated"; PolyPhen-2: "Benign"; Align-GVGD: "Class C0". The valine amino acid residue is found in multiple mammalian species, suggesting that this missense change does not adversely affect protein function. These predictions have not been confirmed by published functional studies and their clinical significance is uncertain. In summary, the available evidence is currently insufficient to determine the role of this variant in disease. Therefore, it has been classified as a Variant of Uncertain Significance.

NM_001036.6(RYR3):c.13067A>T (p.Asp4356Val)

Gene: RYR3 (ryanodine receptor 3; plus strand). Cytogenetic location: 15q14.
Variant type: single nucleotide variant.
Coding change: c.13067A>T on transcript NM_001036.6 (MANE Select); coding-DNA position 13067, A replaced by T.
Protein change: p.Asp4356Val; replaces aspartic acid 4356 with valine.
Molecular consequence: missense variant.
Genome position (GRCh38, 1-based): chr15:33,841,893, A>T. VCF-style: chr15-33841893-A-T. GRCh37 (hg19) VCF-style: chr15-34134094-A-T.
Other names: c.13052A>T, p.Asp4351Val (NM_001243996.4); short protein forms D4351V, D4356V.
Identifiers: ClinVar variation 963349 (VCV000963349.9), dbSNP rs2078391818, ClinGen allele CA391596911.
Genomic context (GRCh38, chr15:33,841,893, plus strand): 5'-GCCCTGCTGAGTGGGTTTCCCATTTCTGCAGCATGGAAGATGGAGAGAAGGAAGACAAAG[A>T]CAAAGAAGAGGAGCAAGCTGAGTACCTGTGGACAGAAGTGACAAAAAAGAAGAAGCGGCG-3'
Protein context (NP_001027.3, residues 4346-4366): DMEDGEKEDK[Asp4356Val]KEEEQAEYLW